The following is an entry in ClinVar:

ClinVar aggregate classification (germline): Uncertain significance (1 of 4 stars; one submission).

Conditions:
Inborn genetic diseases. Identifiers: MedGen C0950123, MeSH D030342.

Submission:

Ambry Genetics
Classification: Uncertain significance for Inborn genetic diseases. Last evaluated: 2025-03-07. Review status: criteria provided, single submitter. Criteria: Ambry Variant Classification Scheme 2023. Collection method: clinical testing. Allele origin: germline.
Comment: The c.3856T>C (p.S1286P) alteration is located in exon 14 (coding exon 11) of the KDM6B gene. This alteration results from a T to C substitution at nucleotide position 3856, causing the serine (S) at amino acid position 1286 to be replaced by a proline (P). This variant was not reported in population-based cohorts in the Genome Aggregation Database (gnomAD). This amino acid position is highly conserved in available vertebrate species. The in silico prediction for this alteration is inconclusive. Based on insufficient or conflicting evidence, the clinical significance of this alteration remains unclear.

NM_001348716.2(KDM6B):c.3856T>C (p.Ser1286Pro)

Genes: KDM6B (lysine demethylase 6B; plus strand), LOC121587574 (Sharpr-MPRA regulatory region 3930; plus strand). Cytogenetic location: 17p13.1.
Variant type: single nucleotide variant.
Coding change: c.3856T>C on transcript NM_001348716.2 (MANE Select); coding-DNA position 3856, T replaced by C.
Protein change: p.Ser1286Pro; replaces serine 1286 with proline.
Molecular consequence: missense variant.
Genome position (GRCh38, 1-based): chr17:7,851,203, T>C. VCF-style: chr17-7851203-T-C. GRCh37 (hg19) VCF-style: chr17-7754521-T-C.
Other names: c.3856T>C, p.Ser1286Pro (NM_001080424.2); short protein forms S1286P.
Identifiers: ClinVar variation 3863542 (VCV003863542.1).